The following is an entry in ClinVar:

ClinVar aggregate classification (germline): Conflicting classifications of pathogenicity. Review status: criteria provided, conflicting classifications (1 of 4 stars). 3 submissions from 3 submitters: Uncertain significance (2); Likely benign (1). Last evaluated 2025-06-25.

Conditions:
Hereditary cancer-predisposing syndrome. Also called: Neoplastic Syndromes, Hereditary; Tumor predisposition; Hereditary Cancer Syndrome; Hereditary neoplastic syndrome. Identifiers: Orphanet 140162, MedGen C0027672, MeSH D009386, MONDO:0015356.
Familial adenomatous polyposis 1 (FAP1). Also called: FAMILIAL ADENOMATOUS POLYPOSIS 1, ATTENUATED; POLYPOSIS, ADENOMATOUS INTESTINAL. Identifiers: MedGen C2713442, MONDO:0021056, OMIM 175100. Disease mechanism: loss of function.

Allele frequency attached by ClinVar (database versions not stated): gnomAD exomes below 0.00001 and 0.00002; ExAC 0.00003.
gnomAD v4.1: 6 of 1,614,068 alleles (0.00037%); highest among the groups gnomAD compares: Admixed American, 0.0017%; no homozygotes.

Submissions (3):

Color Diagnostics, LLC DBA Color Health
Classification: Uncertain significance for Hereditary cancer-predisposing syndrome. Last evaluated: 2025-06-25. Review status: criteria provided, single submitter. Criteria: ACMG Guidelines, 2015. Collection method: clinical testing. Allele origin: germline.
Comment: This missense variant replaces alanine with valine at codon 2460 of the APC protein. Computational prediction is inconclusive regarding the impact of this variant on protein structure and function. To our knowledge, functional studies have not been reported for this variant. This variant has not been reported in individuals affected with APC-related disorders in the literature. This variant has been identified in 6/250992 chromosomes in the general population by the Genome Aggregation Database (gnomAD). The available evidence is insufficient to determine the role of this variant in disease conclusively. Therefore, this variant is classified as a Variant of Uncertain Significance.

Labcorp Genetics (formerly Invitae), Labcorp
Classification: Uncertain significance for Familial adenomatous polyposis 1. Last evaluated: 2025-06-01. Review status: criteria provided, single submitter. Criteria: Invitae Variant Classification Sherloc (09022015). Collection method: clinical testing. Allele origin: germline.
Comment: This sequence change replaces alanine, which is neutral and non-polar, with valine, which is neutral and non-polar, at codon 2460 of the APC protein (p.Ala2460Val). This variant is present in population databases (rs768590443, gnomAD 0.004%). This missense change has been observed in individual(s) with colorectal cancer (PMID: 35430768). ClinVar contains an entry for this variant (Variation ID: 649318). Invitae Evidence Modeling of protein sequence and biophysical properties (such as structural, functional, and spatial information, amino acid conservation, physicochemical variation, residue mobility, and thermodynamic stability) indicates that this missense variant is not expected to disrupt APC protein function with a negative predictive value of 95%. In summary, the available evidence is currently insufficient to determine the role of this variant in disease. Therefore, it has been classified as a Variant of Uncertain Significance.

Ambry Genetics
Classification: Likely benign for Hereditary cancer-predisposing syndrome. Last evaluated: 2022-05-23. Review status: criteria provided, single submitter. Criteria: Ambry Variant Classification Scheme 2023. Collection method: clinical testing. Allele origin: germline.

Literature cited by the submitters: PubMed 35430768 (cited by Labcorp Genetics (formerly Invitae), Labcorp).

NM_000038.6(APC):c.7379C>T (p.Ala2460Val)

Gene: APC (APC regulator of Wnt signaling pathway; plus strand). Cytogenetic location: 5q22.2.
Variant type: single nucleotide variant.
Coding change: c.7379C>T on transcript NM_000038.6 (MANE Select); coding-DNA position 7379, C replaced by T.
Protein change: p.Ala2460Val; replaces alanine 2460 with valine.
Molecular consequence: missense variant.
Genome position (GRCh38, 1-based): chr5:112,842,973, C>T. VCF-style: chr5-112842973-C-T. GRCh37 (hg19) VCF-style: chr5-112178670-C-T.
Other names: c.7379C>T, p.Ala2460Val (NM_001127510.3, NM_001354895.2); c.7325C>T, p.Ala2442Val (NM_001127511.3); c.7433C>T, p.Ala2478Val (NM_001354896.2); c.7409C>T, p.Ala2470Val (NM_001354897.2); c.7304C>T, p.Ala2435Val (NM_001354898.2); c.7295C>T, p.Ala2432Val (NM_001354899.2); c.7256C>T, p.Ala2419Val (NM_001354900.2); c.7202C>T, p.Ala2401Val (NM_001354901.2); and 5 more; short protein forms A2419V, A2177V, A2300V, A2401V, A2432V, A2359V, A2478V, A2334V.
Identifiers: ClinVar variation 649318 (VCV000649318.14), dbSNP rs768590443, ClinGen allele CA047837.